The following is an entry in ClinVar:

NM_001142800.2(EYS):c.9432A>G (p.Thr3144=)

Genes: EYS (EGF-like photoreceptor maintenance factor; minus strand), PHF3 (PHD finger protein 3; plus strand). Cytogenetic location: 6q12.
Variant type: single nucleotide variant.
Coding change: c.9432A>G on transcript NM_001142800.2 (MANE Select); coding-DNA position 9432, A replaced by G.
Protein change: p.Thr3144=; no amino-acid change (threonine 3144 retained).
Molecular consequence: synonymous variant. On other transcripts: 3 prime UTR variant (5).
Genome position (GRCh38, 1-based): chr6:63,720,599, T>C on the plus strand (A>G on the coding strand, the complement: EYS is on the minus strand). VCF-style: chr6-63720599-T-C. GRCh37 (hg19) VCF-style: chr6-64430495-T-C.
Other names: c.*6891T>C (NM_001290259.2, NM_001370348.2, NM_001370349.2 and 2 more transcripts); c.9495A>G, p.Thr3165= (NM_001292009.2).
Identifiers: ClinVar variation 2167040 (VCV002167040.7), dbSNP rs1004373312, ClinGen allele CA140236774.

ClinVar aggregate classification (germline): Conflicting classifications of pathogenicity. Review status: criteria provided, conflicting classifications (1 of 4 stars). 3 submissions from 3 submitters: Likely pathogenic (1); Uncertain significance (1); Likely benign (1). Last evaluated 2025-12-01.

Conditions:
Retinal dystrophy. Also called: Inherited retinal dystrophy. Identifiers: Orphanet 71862, MedGen C0854723, MeSH D058499, MONDO:0019118, HP:0000556.

Allele frequency attached by ClinVar (database versions not stated): gnomAD 0.00001; TOPMed 0.00001; gnomAD exomes 0.00002.
gnomAD v4.1: 29 of 1,472,372 alleles (0.002%); highest among the groups gnomAD compares: Non-Finnish European, 0.0025%; no homozygotes.

Submissions (3):

CeGaT Center for Human Genetics Tuebingen
Classification: Likely benign. Last evaluated: 2025-12-01. Review status: criteria provided, single submitter. Criteria: CeGaT Center For Human Genetics Tuebingen Variant Classification Criteria Version 2. Collection method: clinical testing. Allele origin: germline. Affected: yes. Observed: 1 variant allele.
Comment: EYS: BP4, BP7

Dept Of Ophthalmology, Nagoya University
Classification: Likely pathogenic for Retinal dystrophy. Last evaluated: 2023-10-01. Review status: criteria provided, single submitter. Criteria: Submitter's publication. Collection method: research. Allele origin: germline. Affected: yes.

Labcorp Genetics (formerly Invitae), Labcorp
Classification: Uncertain significance. Last evaluated: 2022-07-20. Review status: criteria provided, single submitter. Criteria: Invitae Variant Classification Sherloc (09022015). Collection method: clinical testing. Allele origin: germline.
Comment: This sequence change replaces threonine, which is neutral and polar, with threonine, which is neutral and polar, at codon 3144 of the EYS protein (Silent). This variant is not present in population databases (gnomAD no frequency). This variant has not been reported in the literature in individuals affected with EYS-related conditions. Algorithms developed to predict the effect of sequence changes on RNA splicing suggest that this variant is not likely to affect RNA splicing. In summary, the available evidence is currently insufficient to determine the role of this variant in disease. Therefore, it has been classified as a Variant of Uncertain Significance.